The following is an entry in ClinVar:

NM_001382430.1(AKT1):c.287+5G>A

Gene: AKT1 (AKT serine/threonine kinase 1; minus strand). Cytogenetic location: 14q32.33.
Variant type: single nucleotide variant.
Coding change: c.287+5G>A on transcript NM_001382430.1 (MANE Select); 5 bases into the intron after coding-DNA position 287, G replaced by A.
Molecular consequence: intron variant.
Genome position (GRCh38, 1-based): chr14:104,776,654, C>T on the plus strand (G>A on the coding strand, the complement: AKT1 is on the minus strand). VCF-style: chr14-104776654-C-T. GRCh37 (hg19) VCF-style: chr14-105242991-C-T.
Other names: c.287+5G>A (NM_001014431.2, NM_001014432.2, NM_001382433.1 and 3 more transcripts).
Identifiers: ClinVar variation 540893 (VCV000540893.9), dbSNP rs373853807, ClinGen allele CA7374844.

ClinVar aggregate classification (germline): Uncertain significance (1 of 4 stars; one submission).

Conditions:
Cowden syndrome 6 (CWS6). Identifiers: Orphanet 201, MedGen C3554519, MONDO:0014048, OMIM 615109.

Allele frequency attached by ClinVar (database versions not stated): gnomAD 0.00004; TOPMed 0.00004; ESP Exome Variant Server 0.00008; gnomAD exomes 0.00010; 1000 Genomes Project 30x 0.00016.
gnomAD v4.1: 153 of 1,611,978 alleles (0.0095%); highest among the groups gnomAD compares: South Asian, 0.023%; no homozygotes.

Submission:

Labcorp Genetics (formerly Invitae), Labcorp
Classification: Uncertain significance for Cowden syndrome 6. Last evaluated: 2023-10-27. Review status: criteria provided, single submitter. Criteria: Invitae Variant Classification Sherloc (09022015). Collection method: clinical testing. Allele origin: germline.
Comment: This sequence change falls in intron 4 of the AKT1 gene. It does not directly change the encoded amino acid sequence of the AKT1 protein. It affects a nucleotide within the consensus splice site. This variant is present in population databases (rs373853807, gnomAD 0.02%). This variant has not been reported in the literature in individuals affected with AKT1-related conditions. ClinVar contains an entry for this variant (Variation ID: 540893). Variants that disrupt the consensus splice site are a relatively common cause of aberrant splicing (PMID: 17576681, 9536098). Algorithms developed to predict the effect of sequence changes on RNA splicing suggest that this variant may disrupt the consensus splice site. In summary, the available evidence is currently insufficient to determine the role of this variant in disease. Therefore, it has been classified as a Variant of Uncertain Significance.

Literature cited by the submitters: PubMed 17576681; PubMed 9536098.